The following is an entry in ClinVar:

ClinVar aggregate classification (germline): Uncertain significance. Review status: criteria provided, multiple submitters, no conflicts (2 of 4 stars). 4 submissions from 4 submitters: Uncertain significance (4). Last evaluated 2024-03-06.

Conditions:
Familial thoracic aortic aneurysm and aortic dissection (TAAD). Also called: Thoracic aortic aneurysms and dissections. Identifiers: Orphanet 91387, MedGen C4707243, MONDO:0019625.
Ehlers-Danlos syndrome, type 4 (EDSVASC). Also called: Ehlers-Danlos syndrome vascular type; Ehlers Danlos syndrome, ecchymotic type; Ehlers Danlos syndrome, arterial type; Ehlers Danlos syndrome, Sack-Barabas type; Ehlers-Danlos Syndrome Type IV. Identifiers: Orphanet 286, MedGen C0268338, MONDO:0017314, OMIM 130050.
Polymicrogyria with or without vascular-type Ehlers-Danlos syndrome. Identifiers: Orphanet 636941, MedGen C5193040, MONDO:0032688, OMIM 618343.

Allele frequency attached by ClinVar (database versions not stated): TOPMed 0.00001.
gnomAD v4.1: 24 of 1,613,918 alleles (0.0015%); highest among the groups gnomAD compares: Non-Finnish European, 0.0019%; no homozygotes.

Submissions (4):

Color Diagnostics, LLC DBA Color Health
Classification: Uncertain significance for Familial thoracic aortic aneurysm and aortic dissection. Last evaluated: 2024-03-06. Review status: criteria provided, single submitter. Criteria: ACMG Guidelines, 2015. Collection method: clinical testing. Allele origin: germline.
Comment: This missense variant replaces threonine with lysine at codon 632 of the COL3A1 protein. Computational prediction suggests that this variant may not impact protein structure and function (internally defined REVEL score threshold <= 0.5, PMID: 27666373). To our knowledge, functional studies have not been reported for this variant. This variant has not been reported in individuals affected with COL3A1-related disorders in the literature. This variant has been identified in 1/251160 chromosomes in the general population by the Genome Aggregation Database (gnomAD). The available evidence is insufficient to determine the role of this variant in disease conclusively. Therefore, this variant is classified as a Variant of Uncertain Significance.

All of Us Research Program, National Institutes of Health
Classification: Uncertain significance for Ehlers-Danlos syndrome, type 4. Last evaluated: 2023-06-26. Review status: criteria provided, single submitter. Criteria: ACMG Guidelines, 2015. Collection method: clinical testing. Allele origin: germline. Inheritance: Autosomal dominant inheritance. Observed: 1 variant allele, 1 heterozygote.
Comment: This missense variant replaces threonine with lysine at codon 632 of the COL3A1 protein. Computational prediction suggests that this variant may not impact protein structure and function (internally defined REVEL score threshold <= 0.5, PMID: 27666373). To our knowledge, functional studies have not been reported for this variant. This variant has not been reported in individuals affected with cardiovascular disorders in the literature. This variant has been identified in 1/251160 chromosomes in the general population by the Genome Aggregation Database (gnomAD). The available evidence is insufficient to determine the role of this variant in disease conclusively. Therefore, this variant is classified as a Variant of Uncertain Significance.

This study involves interpretation of variants in research participants for the purpose of population health screening. Participant phenotype was not available at the time of variant classification. Additional details can be found in publication PMID: 35346344, PMCID: PMC8962531

Labcorp Genetics (formerly Invitae), Labcorp
Classification: Uncertain significance for Ehlers-Danlos syndrome, type 4. Last evaluated: 2023-06-07. Review status: criteria provided, single submitter. Criteria: Invitae Variant Classification Sherloc (09022015). Collection method: clinical testing. Allele origin: germline.
Comment: Advanced modeling of protein sequence and biophysical properties (such as structural, functional, and spatial information, amino acid conservation, physicochemical variation, residue mobility, and thermodynamic stability) performed at Invitae indicates that this missense variant is not expected to disrupt COL3A1 protein function. ClinVar contains an entry for this variant (Variation ID: 944354). This variant has not been reported in the literature in individuals affected with COL3A1-related conditions. This variant is present in population databases (rs769039976, gnomAD 0.0009%). This sequence change replaces threonine, which is neutral and polar, with lysine, which is basic and polar, at codon 632 of the COL3A1 protein (p.Thr632Lys). In summary, the available evidence is currently insufficient to determine the role of this variant in disease. Therefore, it has been classified as a Variant of Uncertain Significance.

Fulgent Genetics
Classification: Uncertain significance for Ehlers-Danlos syndrome, type 4; Polymicrogyria with or without vascular-type Ehlers-Danlos syndrome. Last evaluated: 2021-11-11. Review status: criteria provided, single submitter. Criteria: ACMG Guidelines, 2015. Collection method: clinical testing. Allele origin: unknown.

NM_000090.4(COL3A1):c.1895C>A (p.Thr632Lys)

Gene: COL3A1 (collagen type III alpha 1 chain; plus strand). Cytogenetic location: 2q32.2.
Variant type: single nucleotide variant.
Coding change: c.1895C>A on transcript NM_000090.4 (MANE Select); coding-DNA position 1895, C replaced by A.
Protein change: p.Thr632Lys; replaces threonine 632 with lysine.
Molecular consequence: missense variant.
Genome position (GRCh38, 1-based): chr2:188,997,725, C>A. VCF-style: chr2-188997725-C-A. GRCh37 (hg19) VCF-style: chr2-189862451-C-A.
Other names: short protein forms T632K.
Identifiers: ClinVar variation 944354 (VCV000944354.16), dbSNP rs769039976, ClinGen allele CA62599195.
Genomic context (GRCh38, chr2:188,997,725, plus strand): 5'-TGTTTACAACAGAGTGTATCATTATACTTTTCTAGGGGCCTGGTGGTGACAAAGGAGACA[C>A]AGGACCCCCTGGTCCACAAGGATTACAAGTAAGAACTTGTTATTTAAATGTCACGGCATA-3'
Protein context (NP_000081.2, residues 622-642): PTGPGGDKGD[Thr632Lys]GPPGPQGLQG